The following is an entry in ClinVar:

NM_001372044.2(SHANK3):c.4330dup (p.His1444fs)

Gene: SHANK3 (SH3 and multiple ankyrin repeat domains 3; plus strand). Cytogenetic location: 22q13.33.
Variant type: Duplication.
Coding change: c.4330dup on transcript NM_001372044.2 (MANE Select); coding-DNA position 4330, one base duplicated (C; older notation c.4330dupC).
Protein change: p.His1444fs; shifts the reading frame from histidine 1444.
Molecular consequence: frameshift variant.
Genome position (GRCh38, 1-based): chr22:50,721,938, C duplicated; the last of 5 consecutive C bases (chr22:50,721,934-50,721,938); duplicating any one gives the same sequence. VCF-style (leftmost placement, unchanged base first): chr22-50721933-A-AC. GRCh37 (hg19) VCF-style: chr22-51160361-A-AC.
Other names: short protein forms H1444fs.
Identifiers: ClinVar variation 4687918 (VCV004687918.1).

ClinVar aggregate classification (germline): Pathogenic (1 of 4 stars; one submission).

Conditions:
Phelan-McDermid syndrome. Also called: TELOMERIC 22q13 MONOSOMY SYNDROME; 22q13.3 deletion syndrome; Phelan-McDermid Syndrome-SHANK3 Related. Identifiers: Orphanet 48652, MedGen C1853490, MONDO:0011652, OMIM 606232.

Submission:

Human Genetics Bochum, Ruhr University Bochum
Classification: Pathogenic for Phelan-McDermid syndrome. Last evaluated: 2025-05-21. Review status: criteria provided, single submitter. Criteria: ACMG Guidelines, 2015. Collection method: clinical testing. Allele origin: germline. Affected: yes.
Comment: ACMG criteria used to clasify this variant: PVS1, PM1_SUP, PM2_SUP